The following is an entry in ClinVar:

NM_000394.4(CRYAA):c.81C>T (p.Phe27=)

Gene: CRYAA (crystallin alpha A; plus strand). Cytogenetic location: 21q22.3.
Variant type: single nucleotide variant.
Coding change: c.81C>T on transcript NM_000394.4 (MANE Select); coding-DNA position 81, C replaced by T.
Protein change: p.Phe27=; no amino-acid change (phenylalanine 27 retained).
Molecular consequence: synonymous variant.
Genome position (GRCh38, 1-based): chr21:43,169,180, C>T. VCF-style: chr21-43169180-C-T. GRCh37 (hg19) VCF-style: chr21-44589290-C-T.
Identifiers: ClinVar variation 697528 (VCV000697528.4), dbSNP rs373635187, ClinGen allele CA321167425.

ClinVar aggregate classification (germline): Likely benign. Review status: criteria provided, multiple submitters, no conflicts (2 of 4 stars). 2 submissions from 2 submitters: Likely benign (2). Last evaluated 2025-12-08.

Conditions:
CRYAA-related disorder. Also called: CRYAA-related condition.

Allele frequency attached by ClinVar (database versions not stated): gnomAD 0.00003; ExAC 0.00008; ESP Exome Variant Server 0.00008; gnomAD exomes 0.00010.

Submissions (2):

PreventionGenetics, part of Exact Sciences
Classification: Likely benign for CRYAA-related condition. Last evaluated: 2025-12-08. Review status: criteria provided, single submitter. Criteria: ACMG Guidelines, 2015. Collection method: clinical testing. Allele origin: germline.
Comment: This variant is classified as likely benign based on ACMG/AMP sequence variant interpretation guidelines (Richards et al. 2015 PMID: 25741868, with internal and published modifications).

Labcorp Genetics (formerly Invitae), Labcorp
Classification: Likely benign. Last evaluated: 2018-06-10. Review status: criteria provided, single submitter. Criteria: Invitae Variant Classification Sherloc (09022015). Collection method: clinical testing. Allele origin: germline.